The following is an entry in ClinVar:

NM_000059.4(BRCA2):c.3406A>G (p.Ile1136Val)

Gene: BRCA2 (BRCA2 DNA repair associated; plus strand). Cytogenetic location: 13q13.1.
Variant type: single nucleotide variant.
Coding change: c.3406A>G on transcript NM_000059.4 (MANE Select); coding-DNA position 3406, A replaced by G.
Protein change: p.Ile1136Val; replaces isoleucine 1136 with valine.
Molecular consequence: missense variant.
Genome position (GRCh38, 1-based): chr13:32,337,761, A>G. VCF-style: chr13-32337761-A-G. GRCh37 (hg19) VCF-style: chr13-32911898-A-G.
Other names: short protein forms I1136V.
Identifiers: ClinVar variation 230647 (VCV000230647.23), dbSNP rs876658683, ClinGen allele CA10579577.

ClinVar aggregate classification (germline): Conflicting classifications of pathogenicity. Review status: criteria provided, conflicting classifications (1 of 4 stars). 6 submissions from 6 submitters: Uncertain significance (5); Likely benign (1). Last evaluated 2025-08-30.

Conditions:
Hereditary cancer-predisposing syndrome. Also called: Neoplastic Syndromes, Hereditary; Tumor predisposition; Hereditary Cancer Syndrome; Hereditary neoplastic syndrome. Identifiers: Orphanet 140162, MedGen C0027672, MeSH D009386, MONDO:0015356.
Hereditary breast ovarian cancer syndrome. Also called: BRCA1- and BRCA2-Associated Hereditary Breast and Ovarian Cancer; Hereditary breast and ovarian cancer syndrome; Hereditary breast and ovarian cancer; Hereditary breast and ovarian cancer syndrome (HBOC); Breast and ovarian cancer; Hereditary breast and/or ovarian cancer syndrome. Identifiers: Orphanet 145, MedGen C0677776, MeSH D061325, MONDO:0003582. Disease mechanism: loss of function.

Allele frequency attached by ClinVar (database versions not stated): gnomAD exomes below 0.00001 and 0.00001; TOPMed below 0.00001.
gnomAD v4.1: 9 of 1,613,994 alleles (0.00056%); highest among the groups gnomAD compares: African/African-American, 0.0067%; no homozygotes.

Submissions (6):

Ambry Genetics
Classification: Uncertain significance for Hereditary cancer-predisposing syndrome. Last evaluated: 2025-08-30. Review status: criteria provided, single submitter. Criteria: Ambry Variant Classification Scheme 2023. Collection method: clinical testing. Allele origin: germline.

Quest Diagnostics Nichols Institute San Juan Capistrano
Classification: Uncertain significance. Last evaluated: 2025-07-14. Review status: criteria provided, single submitter. Criteria: Quest Diagnostics criteria. Collection method: clinical testing. Allele origin: unknown.
Comment: The BRCA2 c.3406A>G (p.Ile1136Val) variant has been reported in the published literature in individuals with prostate cancer (PMID: 31248605 (2019)) and lung cancer (PMID: 30082870 (2018)). This variant has also been described to be located in a region of the BRCA2 gene that is tolerant to missense sequence changes (PMID: 31911673 (2020)). The frequency of this variant in the general population (Genome Aggregation Database) is uninformative in the assessment of its pathogenicity. Analysis of this variant using bioinformatics tools for the prediction of the effect of amino acid changes on protein structure and function yielded predictions that this variant is benign. Based on the available information, we are unable to determine the clinical significance of this variant.

Labcorp Genetics (formerly Invitae), Labcorp
Classification: Uncertain significance for Hereditary breast ovarian cancer syndrome. Last evaluated: 2025-03-30. Review status: criteria provided, single submitter. Criteria: Invitae Variant Classification Sherloc (09022015). Collection method: clinical testing. Allele origin: germline.
Comment: This sequence change replaces isoleucine, which is neutral and non-polar, with valine, which is neutral and non-polar, at codon 1136 of the BRCA2 protein (p.Ile1136Val). This variant is present in population databases (no rsID available, gnomAD 0.0009%). This missense change has been observed in individual(s) with prostate cancer (PMID: 31248605). ClinVar contains an entry for this variant (Variation ID: 230647). Invitae Evidence Modeling of protein sequence and biophysical properties (such as structural, functional, and spatial information, amino acid conservation, physicochemical variation, residue mobility, and thermodynamic stability) indicates that this missense variant is not expected to disrupt BRCA2 protein function with a negative predictive value of 95%. In summary, the available evidence is currently insufficient to determine the role of this variant in disease. Therefore, it has been classified as a Variant of Uncertain Significance.

Women's Health and Genetics/Laboratory Corporation of America, LabCorp
Classification: Uncertain significance. Last evaluated: 2023-06-05. Review status: criteria provided, single submitter. Criteria: LabCorp Variant Classification Summary - May 2015. Collection method: clinical testing. Allele origin: germline.
Comment: Variant summary: BRCA2 c.3406A>G (p.Ile1136Val) results in a conservative amino acid change in the encoded protein sequence. Four of four in-silico tools predict a benign effect of the variant on protein function. The variant allele was found at a frequency of 4e-06 in 250842 control chromosomes. The available data on variant occurrences in the general population are insufficient to allow any conclusion about variant significance. c.3406A>G has been reported in the literature in at least one individual affected with Prostate Cancer (e.g., Wei_2019). To our knowledge, no experimental evidence demonstrating an impact on protein function has been reported. The following publications have been ascertained in the context of this evaluation (PMID: 31248605). Four ClinVar submitters have submitted clinical-significance assessments for this variant to ClinVar after 2014. Three clinical diagnostic laboratories classified the variant as a variant of uncertain significance, while one ClinVar submitter classified it as likely benign. Based on the evidence outlined above, the variant was classified as uncertain significance.

University of Washington Department of Laboratory Medicine, University of Washington
Classification: Likely benign for Hereditary cancer-predisposing syndrome. Last evaluated: 2023-03-23. Review status: criteria provided, single submitter. Criteria: Dines et al. (Genet Med. 2020). Collection method: curation. Allele origin: germline.
Comment: Missense variant in a coldspot region where missense variants are very unlikely to be pathogenic (PMID:31911673).

BRCA2 exon 11 coldspot. Reclassification based on statistical prior probability.

GeneDx
Classification: Uncertain significance. Last evaluated: 2019-11-01. Review status: criteria provided, single submitter. Criteria: GeneDx Variant Classification Process June 2021. Collection method: clinical testing. Allele origin: germline. Affected: yes.
Comment: Not observed at a significant frequency in large population cohorts (Lek 2016); In silico analysis, which includes protein predictors and evolutionary conservation, supports that this variant does not alter protein structure/function; Has not been previously published as pathogenic or benign to our knowledge; Also known as 3634A>G; This variant is associated with the following publications: (PMID: 21520333)

Literature cited by the submitters: PubMed 31911673 (cited by Quest Diagnostics Nichols Institute San Juan Capistrano); PubMed 30702160 (cited by Quest Diagnostics Nichols Institute San Juan Capistrano); PubMed 29884841 (cited by Quest Diagnostics Nichols Institute San Juan Capistrano); PubMed 31248605 (cited by 3 submitters); PubMed 30082870 (cited by Quest Diagnostics Nichols Institute San Juan Capistrano).